The following is an entry in ClinVar:

ClinVar aggregate classification (germline): Uncertain significance. Review status: criteria provided, multiple submitters, no conflicts (2 of 4 stars). 2 submissions from 2 submitters: Uncertain significance (2). Last evaluated 2025-11-15.

Conditions:
Hereditary cancer-predisposing syndrome. Also called: Hereditary neoplastic syndrome; Tumor predisposition; Neoplastic Syndromes, Hereditary; Hereditary Cancer Syndrome. Identifiers: Orphanet 140162, MedGen C0027672, MeSH D009386, MONDO:0015356.
Familial cancer of breast. Also called: hereditary breast carcinoma; Hereditary breast cancer; BREAST CANCER, FAMILIAL. Identifiers: Orphanet 227535, MedGen C0346153, MONDO:0016419, OMIM 114480. Disease mechanism: loss of function.

Submissions (2):

Ambry Genetics
Classification: Uncertain significance for Hereditary cancer-predisposing syndrome. Last evaluated: 2025-11-15. Review status: criteria provided, single submitter. Criteria: Ambry Variant Classification Scheme 2023. Collection method: clinical testing. Allele origin: germline.
Comment: The p.V234G variant (also known as c.701T>G), located in coding exon 5 of the CHEK2 gene, results from a T to G substitution at nucleotide position 701. The valine at codon 234 is replaced by glycine, an amino acid with dissimilar properties. This amino acid position is conserved. In addition, this alteration is predicted to be deleterious by in silico analysis. Based on the available evidence, the clinical significance of this variant remains unclear.

Labcorp Genetics (formerly Invitae), Labcorp
Classification: Uncertain significance for Familial cancer of breast. Last evaluated: 2021-10-28. Review status: criteria provided, single submitter. Criteria: Invitae Variant Classification Sherloc (09022015). Collection method: clinical testing. Allele origin: germline.
Comment: This sequence change replaces valine, which is neutral and non-polar, with glycine, which is neutral and non-polar, at codon 234 of the CHEK2 protein (p.Val234Gly). This variant is not present in population databases (gnomAD no frequency). This variant has not been reported in the literature in individuals affected with CHEK2-related conditions. ClinVar contains an entry for this variant (Variation ID: 954455). Algorithms developed to predict the effect of missense changes on protein structure and function are either unavailable or do not agree on the potential impact of this missense change (SIFT: "Deleterious"; PolyPhen-2: "Probably Damaging"; Align-GVGD: "Class C0"). In summary, the available evidence is currently insufficient to determine the role of this variant in disease. Therefore, it has been classified as a Variant of Uncertain Significance.

NM_007194.4(CHEK2):c.701T>G (p.Val234Gly)

Gene: CHEK2 (checkpoint kinase 2; minus strand). Cytogenetic location: 22q12.1.
Variant type: single nucleotide variant.
Coding change: c.701T>G on transcript NM_007194.4 (MANE Select); coding-DNA position 701, T replaced by G.
Protein change: p.Val234Gly; replaces valine 234 with glycine.
Molecular consequence: missense variant.
Genome position (GRCh38, 1-based): chr22:28,712,000, A>C on the plus strand (T>G on the coding strand, the complement: CHEK2 is on the minus strand). VCF-style: chr22-28712000-A-C. GRCh37 (hg19) VCF-style: chr22-29107988-A-C.
Other names: c.830T>G, p.Val277Gly (NM_001005735.3); c.38T>G, p.Val13Gly (NM_001257387.3); c.500T>G, p.Val167Gly (NM_001349956.3); c.701T>G, p.Val234Gly (NM_145862.3); short protein forms V13G, V167G, V234G, V277G.
Identifiers: ClinVar variation 954455 (VCV000954455.9), dbSNP rs2053416773, ClinGen allele CA411103447.